The following is an entry in ClinVar:

NM_001111.5(ADAR):c.344G>A (p.Gly115Asp)

Gene: ADAR (adenosine deaminase RNA specific; minus strand). Cytogenetic location: 1q21.3.
Variant type: single nucleotide variant.
Coding change: c.344G>A on transcript NM_001111.5 (MANE Select); coding-DNA position 344, G replaced by A.
Protein change: p.Gly115Asp; replaces glycine 115 with aspartic acid.
Molecular consequence: missense variant. On other transcripts: 5 prime UTR variant (3), intron variant (3).
Genome position (GRCh38, 1-based): chr1:154,602,298, C>T on the plus strand (G>A on the coding strand, the complement: ADAR is on the minus strand). VCF-style: chr1-154602298-C-T. GRCh37 (hg19) VCF-style: chr1-154574774-C-T.
Other names: c.-542G>A (NM_001025107.3, NM_001193495.2, NM_001365048.1); c.371G>A, p.Gly124Asp (NM_001365045.1); c.344G>A, p.Gly115Asp (NM_015840.4, NM_015841.4); c.-492-50G>A (NM_001365046.1, NM_001365049.1, NM_001365047.1); short protein forms G115D, G124D.
Identifiers: ClinVar variation 3756022 (VCV003756022.2).
Genomic context (GRCh38, chr1:154,602,298, plus strand): 5'-ATACTCAGTTCCTGGAAATGTGAGGAAAGGCAATCAACACCTCTCTGTGGCAGACTCCTG[C>T]CACGTGGTGAAGGATGCTGGAACCCTCTCTGGAGCCCCTGACTTCTGAGATGCACGCCCC-3'
Protein context (NP_001102.3, residues 105-125): QRGFQHPSPR[Gly115Asp]RSLPQRGVDC

ClinVar aggregate classification (germline): Uncertain significance (1 of 4 stars; one submission).

Conditions:
Symmetrical dyschromatosis of extremities (DSH). Also called: DYSCHROMATOSIS SYMMETRICA HEREDITARIA 1; RETICULATE ACROPIGMENTATION OF DOHI; SYMMETRIC DYSCHROMATOSIS OF THE EXTREMITIES; Dyschromatosis symmetrica hereditaria. Identifiers: Orphanet 41, MedGen C0406775, MONDO:0007483, OMIM 127400.
Aicardi-Goutieres syndrome 6 (AGS6). Identifiers: Orphanet 51, MedGen C3539013, MONDO:0014007, OMIM 615010.

gnomAD v4.1: 1 of 1,613,908 alleles (0.000062%); highest among the groups gnomAD compares: East Asian, 0.0022%; no homozygotes.

Submission:

Labcorp Genetics (formerly Invitae), Labcorp
Classification: Uncertain significance for Aicardi-Goutieres syndrome 6; Symmetrical dyschromatosis of extremities. Last evaluated: 2024-04-25. Review status: criteria provided, single submitter. Criteria: Invitae Variant Classification Sherloc (09022015). Collection method: clinical testing. Allele origin: germline.
Comment: This sequence change replaces glycine, which is neutral and non-polar, with aspartic acid, which is acidic and polar, at codon 115 of the ADAR protein (p.Gly115Asp). This variant is not present in population databases (gnomAD no frequency). This variant has not been reported in the literature in individuals affected with ADAR-related conditions. An algorithm developed to predict the effect of missense changes on protein structure and function (PolyPhen-2) suggests that this variant is likely to be tolerated. In summary, the available evidence is currently insufficient to determine the role of this variant in disease. Therefore, it has been classified as a Variant of Uncertain Significance.